The following is an entry in ClinVar:

NM_000548.5(TSC2):c.600-11G>A

Gene: TSC2 (TSC complex subunit 2; plus strand). Cytogenetic location: 16p13.3.
Variant type: single nucleotide variant.
Coding change: c.600-11G>A on transcript NM_000548.5 (MANE Select); 11 bases into the intron before coding-DNA position 600, G replaced by A.
Molecular consequence: intron variant. On other transcripts: 5 prime UTR variant (4).
Genome position (GRCh38, 1-based): chr16:2,056,185, G>A. VCF-style: chr16-2056185-G-A. GRCh37 (hg19) VCF-style: chr16-2106186-G-A.
Other names: c.-12G>A (NM_001406680.1, NM_001406683.1, NM_001406687.1); c.-843G>A (NM_001406693.1); c.690-11G>A (NM_001406667.1, NM_001406668.1); c.-832-11G>A (NM_001406689.1, NM_001406690.1, NM_001406692.1 and 2 more transcripts); c.-1008-11G>A (NM_001406698.1); c.489-11G>A (NM_001406670.1, NM_001318827.2, NM_001406678.1); c.-1-11G>A (NM_001406682.1, NM_001406684.1, NM_001406685.1 and 3 more transcripts); c.543-11G>A (NM_001406677.1); and 6 more.
Identifiers: ClinVar variation 3072412 (VCV003072412.1), dbSNP rs1346678348, ClinGen allele CA394310465.
Genomic context (GRCh38, chr16:2,056,185, plus strand): 5'-CTAGACCACAGCCCGTGGTGGCTCGGCCATCCAGGCAGTGCTGCCGGGACTGAGCTCGGT[G>A]CTCCCTGCAGGATGATCTGTCTGCTGTGCGTCCGGACCGCGTCCTCTGTGGACATAGAGG-3'

ClinVar aggregate classification (germline): Likely benign (1 of 4 stars; one submission).

Conditions:
Tuberous sclerosis syndrome (TSC). Also called: Tuberous Sclerosis Complex; Tuberous sclerosis. Identifiers: Orphanet 805, MedGen C0041341, MONDO:0001734.

gnomAD v4.1: 1 of 1,613,804 alleles (0.000062%); highest among the groups gnomAD compares: East Asian, 0.0022%; no homozygotes.

Submission:

All of Us Research Program, National Institutes of Health
Classification: Likely benign for Tuberous sclerosis syndrome. Last evaluated: 2023-07-10. Review status: criteria provided, single submitter. Criteria: ACMG Guidelines, 2015. Collection method: clinical testing. Allele origin: germline. Inheritance: Autosomal dominant inheritance. Observed: 1 variant allele, 1 heterozygote.
Comment: This study involves interpretation of variants in research participants for the purpose of population health screening. Participant phenotype was not available at the time of variant classification. Additional details can be found in publication PMID: 35346344, PMCID: PMC8962531